The following is an entry in ClinVar:

NM_006514.4(SCN10A):c.3388A>G (p.Thr1130Ala)

Genes: SCN10A (sodium voltage-gated channel alpha subunit 10; minus strand), LOC110121288 (VISTA enhancer hs2268; plus strand). Cytogenetic location: 3p22.2.
Variant type: single nucleotide variant.
Coding change: c.3388A>G on transcript NM_006514.4 (MANE Select); coding-DNA position 3388, A replaced by G.
Protein change: p.Thr1130Ala; replaces threonine 1130 with alanine.
Molecular consequence: missense variant.
Genome position (GRCh38, 1-based): chr3:38,722,377, T>C on the plus strand (A>G on the coding strand, the complement: SCN10A is on the minus strand). VCF-style: chr3-38722377-T-C. GRCh37 (hg19) VCF-style: chr3-38763868-T-C.
Other names: c.3385A>G, p.Thr1129Ala (NM_001293306.2); c.3094A>G, p.Thr1032Ala (NM_001293307.2); short protein forms T1129A, T1130A, T1032A.
Identifiers: ClinVar variation 2563730 (VCV002563730.2), dbSNP rs758936629, ClinGen allele CA2320248.

ClinVar aggregate classification (germline): Uncertain significance (1 of 4 stars; one submission).

Conditions:
Cardiovascular phenotype. Identifiers: MedGen CN230736.

Allele frequency attached by ClinVar (database versions not stated): ExAC 0.00001; gnomAD exomes 0.00001.
gnomAD v4.1: 6 of 1,614,010 alleles (0.00037%); highest among the groups gnomAD compares: Non-Finnish European, 0.00051%; no homozygotes.

Submission:

Ambry Genetics
Classification: Uncertain significance for Cardiovascular phenotype. Last evaluated: 2023-06-12. Review status: criteria provided, single submitter. Criteria: Ambry Variant Classification Scheme 2023. Collection method: clinical testing. Allele origin: germline.
Comment: The p.T1130A variant (also known as c.3388A>G), located in coding exon 19 of the SCN10A gene, results from an A to G substitution at nucleotide position 3388. The threonine at codon 1130 is replaced by alanine, an amino acid with similar properties. This amino acid position is conserved. In addition, this alteration is predicted to be tolerated by in silico analysis. Since supporting evidence is limited at this time, the clinical significance of this alteration remains unclear.